The following is an entry in ClinVar:

ClinVar aggregate classification (germline): Uncertain significance (1 of 4 stars; one submission).

Submission:

Labcorp Genetics (formerly Invitae), Labcorp
Classification: Uncertain significance. Last evaluated: 2022-04-16. Review status: criteria provided, single submitter. Criteria: Invitae Variant Classification Sherloc (09022015). Collection method: clinical testing. Allele origin: germline.
Comment: This sequence change replaces isoleucine, which is neutral and non-polar, with leucine, which is neutral and non-polar, at codon 962 of the TTC37 protein (p.Ile962Leu). This variant is not present in population databases (gnomAD no frequency). This variant has not been reported in the literature in individuals affected with TTC37-related conditions. Algorithms developed to predict the effect of missense changes on protein structure and function (SIFT, PolyPhen-2, Align-GVGD) all suggest that this variant is likely to be tolerated. In summary, the available evidence is currently insufficient to determine the role of this variant in disease. Therefore, it has been classified as a Variant of Uncertain Significance.

NM_014639.4(SKIC3):c.2884A>C (p.Ile962Leu)

Gene: SKIC3 (SKI3 subunit of superkiller complex; minus strand). Cytogenetic location: 5q15.
Variant type: single nucleotide variant.
Coding change: c.2884A>C on transcript NM_014639.4 (MANE Select); coding-DNA position 2884, A replaced by C.
Protein change: p.Ile962Leu; replaces isoleucine 962 with leucine.
Molecular consequence: missense variant.
Genome position (GRCh38, 1-based): chr5:95,512,513, T>G on the plus strand (A>C on the coding strand, the complement: SKIC3 is on the minus strand). VCF-style: chr5-95512513-T-G. GRCh37 (hg19) VCF-style: chr5-94848217-T-G.
Other names: short protein forms I962L.
Identifiers: ClinVar variation 2082814 (VCV002082814.4), dbSNP rs955580536, ClinGen allele CA360455304.